The following is an entry in ClinVar:

NM_001330574.2(ZNF711):c.2282A>G (p.Asp761Gly)

Gene: ZNF711 (zinc finger protein 711; plus strand). Cytogenetic location: Xq21.1.
Variant type: single nucleotide variant.
Coding change: c.2282A>G on transcript NM_001330574.2 (MANE Select); coding-DNA position 2282, A replaced by G.
Protein change: p.Asp761Gly; replaces aspartic acid 761 with glycine.
Molecular consequence: missense variant.
Genome position (GRCh38, 1-based): chrX:85,271,686, A>G. VCF-style: chrX-85271686-A-G. GRCh37 (hg19) VCF-style: chrX-84526692-A-G.
Other names: c.2282A>G, p.Asp761Gly (NM_001375431.1, NM_001375432.1, NM_001375433.1); c.2144A>G, p.Asp715Gly (NM_001375434.1, NM_001375435.1, NM_001375436.1 and 2 more transcripts); short protein forms D715G, D761G.
Identifiers: ClinVar variation 1309365 (VCV001309365.2), dbSNP rs2147877545, ClinGen allele CA413777947.

ClinVar aggregate classification (germline): Uncertain significance (1 of 4 stars; one submission).

Submission:

GeneDx
Classification: Uncertain significance. Last evaluated: 2019-08-30. Review status: criteria provided, single submitter. Criteria: GeneDx Variant Classification Process June 2021. Collection method: clinical testing. Allele origin: germline. Affected: yes.
Comment: Not observed in large population cohorts (Lek et al., 2016); In silico analysis, which includes protein predictors and evolutionary conservation, supports a deleterious effect; Has not been previously published as pathogenic or benign to our knowledge